The following is an entry in ClinVar:

ClinVar aggregate classification (germline): Uncertain significance. Review status: criteria provided, multiple submitters, no conflicts (2 of 4 stars). 2 submissions from 2 submitters: Uncertain significance (2). Last evaluated 2025-04-30.

Conditions:
Immunodeficiency, common variable, 10. Also called: IMMUNODEFICIENCY, COMMON VARIABLE, WITH CENTRAL ADRENAL INSUFFICIENCY; DEFICIT IN ANTERIOR PITUITARY FUNCTION AND VARIABLE IMMUNODEFICIENCY. Identifiers: MedGen C3809991, MONDO:0014260, OMIM 615577.

Allele frequency attached by ClinVar (database versions not stated): ExAC 0.00001; gnomAD exomes 0.00001 and 0.00007; TOPMed 0.00002; gnomAD 0.00003.
gnomAD v4.1: 97 of 1,488,884 alleles (0.0065%); highest among the groups gnomAD compares: Non-Finnish European, 0.0085%; no homozygotes.

Submissions (2):

Labcorp Genetics (formerly Invitae), Labcorp
Classification: Uncertain significance for Immunodeficiency, common variable, 10. Last evaluated: 2025-04-30. Review status: criteria provided, single submitter. Criteria: Invitae Variant Classification Sherloc (09022015). Collection method: clinical testing. Allele origin: germline.
Comment: This sequence change replaces arginine, which is basic and polar, with tryptophan, which is neutral and slightly polar, at codon 158 of the NFKB2 protein (p.Arg158Trp). This variant is present in population databases (rs776075705, gnomAD 0.002%). This variant has not been reported in the literature in individuals affected with NFKB2-related conditions. ClinVar contains an entry for this variant (Variation ID: 850730). An algorithm developed to predict the effect of missense changes on protein structure and function (PolyPhen-2) suggests that this variant is likely to be disruptive. In summary, the available evidence is currently insufficient to determine the role of this variant in disease. Therefore, it has been classified as a Variant of Uncertain Significance.

Center for Genomic Medicine, Rigshospitalet, Copenhagen University Hospital
Classification: Uncertain significance. Last evaluated: 2025-03-04. Review status: criteria provided, single submitter. Criteria: ACMG Guidelines, 2015. Collection method: clinical testing. Allele origin: germline.

Literature cited by the submitters: PubMed 35874679 (cited by Center for Genomic Medicine, Rigshospitalet, Copenhagen University Hospital).

NM_001322934.2(NFKB2):c.472C>T (p.Arg158Trp)

Gene: NFKB2 (nuclear factor kappa B subunit 2; plus strand). Cytogenetic location: 10q24.32.
Variant type: single nucleotide variant.
Coding change: c.472C>T on transcript NM_001322934.2 (MANE Select); coding-DNA position 472, C replaced by T.
Protein change: p.Arg158Trp; replaces arginine 158 with tryptophan.
Molecular consequence: missense variant.
Genome position (GRCh38, 1-based): chr10:102,397,378, C>T. VCF-style: chr10-102397378-C-T. GRCh37 (hg19) VCF-style: chr10-104157135-C-T.
Other names: c.472C>T, p.Arg158Trp (NM_001077494.3, NM_001261403.3, NM_001288724.1 and 2 more transcripts); short protein forms R158W.
Identifiers: ClinVar variation 850730 (VCV000850730.9), dbSNP rs776075705, ClinGen allele CA5664540.
Genomic context (GRCh38, chr10:102,397,378, plus strand): 5'-GTCCTGCATGTGACTAAGAAGAACATGATGGGGACTATGATACAAAAACTTCAGAGGCAG[C>T]GGCTCCGCTCTAGGCCCCAGGGCCTTACGGGTATGGGTGCAGGGGGTGGGTCGGGTATGG-3'
Protein context (NP_001309863.1, residues 148-168): GTMIQKLQRQ[Arg158Trp]LRSRPQGLTE